The following is an entry in ClinVar:

ClinVar aggregate classification (germline): Uncertain significance (1 of 4 stars; one submission).

Submission:

Labcorp Genetics (formerly Invitae), Labcorp
Classification: Uncertain significance. Last evaluated: 2025-06-06. Review status: criteria provided, single submitter. Criteria: Invitae Variant Classification Sherloc (09022015). Collection method: clinical testing. Allele origin: germline.
Comment: This sequence change falls in intron 2 of the MYLK3 gene. It does not directly change the encoded amino acid sequence of the MYLK3 protein. It affects a nucleotide within the consensus splice site. This variant is not present in population databases (gnomAD no frequency). This variant has not been reported in the literature in individuals affected with MYLK3-related conditions. Variants that disrupt the consensus splice site are a relatively common cause of aberrant splicing (PMID: 17576681, 9536098). Algorithms developed to predict the effect of sequence changes on RNA splicing suggest that this variant may disrupt the consensus splice site. In summary, the available evidence is currently insufficient to determine the role of this variant in disease. Therefore, it has been classified as a Variant of Uncertain Significance.

Literature cited by the submitters: PubMed 17576681; PubMed 9536098.

NM_182493.3(MYLK3):c.568+4A>T

Gene: MYLK3 (myosin light chain kinase 3; minus strand). Cytogenetic location: 16q11.2.
Variant type: single nucleotide variant.
Coding change: c.568+4A>T on transcript NM_182493.3 (MANE Select); 4 bases into the intron after coding-DNA position 568, A replaced by T.
Molecular consequence: intron variant.
Genome position (GRCh38, 1-based): chr16:46,740,053, T>A on the plus strand (A>T on the coding strand, the complement: MYLK3 is on the minus strand). VCF-style: chr16-46740053-T-A. GRCh37 (hg19) VCF-style: chr16-46773965-T-A.
Other names: c.-23+4A>T (NM_001308301.1).
Identifiers: ClinVar variation 4720866 (VCV004720866.1).